The following is an entry in ClinVar:

ClinVar aggregate classification (germline): Uncertain significance (1 of 4 stars; one submission).

Allele frequency attached by ClinVar (database versions not stated): ExAC 0.00001; gnomAD 0.00001; gnomAD exomes 0.00002.
gnomAD v4.1: 26 of 1,614,000 alleles (0.0016%); highest among the groups gnomAD compares: Non-Finnish European, 0.0022%; no homozygotes.

Submission:

CeGaT Center for Human Genetics Tuebingen
Classification: Uncertain significance. Last evaluated: 2023-06-01. Review status: criteria provided, single submitter. Criteria: CeGaT Center For Human Genetics Tuebingen Variant Classification Criteria Version 2. Collection method: clinical testing. Allele origin: germline. Affected: yes. Observed: 1 variant allele.
Comment: ASH1L: PP3

NM_018489.3(ASH1L):c.8414C>T (p.Ala2805Val)

Gene: ASH1L (ASH1 like histone lysine methyltransferase; minus strand). Cytogenetic location: 1q22.
Variant type: single nucleotide variant.
Coding change: c.8414C>T on transcript NM_018489.3 (MANE Select); coding-DNA position 8414, C replaced by T.
Protein change: p.Ala2805Val; replaces alanine 2805 with valine.
Molecular consequence: missense variant.
Genome position (GRCh38, 1-based): chr1:155,341,982, G>A on the plus strand (C>T on the coding strand, the complement: ASH1L is on the minus strand). VCF-style: chr1-155341982-G-A. GRCh37 (hg19) VCF-style: chr1-155311773-G-A.
Other names: c.8429C>T, p.Ala2810Val (NM_001366177.2); short protein forms A2805V, A2810V.
Identifiers: ClinVar variation 2639405 (VCV002639405.24), dbSNP rs754910117, ClinGen allele CA1145889.